The following is an entry in ClinVar:

NM_002775.5(HTRA1):c.1210G>A (p.Asp404Asn)

Gene: HTRA1 (HtrA serine peptidase 1; plus strand). Cytogenetic location: 10q26.13.
Variant type: single nucleotide variant.
Coding change: c.1210G>A on transcript NM_002775.5 (MANE Select); coding-DNA position 1210, G replaced by A.
Protein change: p.Asp404Asn; replaces aspartic acid 404 with asparagine.
Molecular consequence: missense variant.
Genome position (GRCh38, 1-based): chr10:122,512,001, G>A. VCF-style: chr10-122512001-G-A. GRCh37 (hg19) VCF-style: chr10-124271517-G-A.
Other names: short protein forms D404N.
Identifiers: ClinVar variation 2962810 (VCV002962810.3), dbSNP rs1435227194, ClinGen allele CA378588080.

ClinVar aggregate classification (germline): Uncertain significance (1 of 4 stars; one submission).

Allele frequency attached by ClinVar (database versions not stated): TOPMed 0.00001.

Submission:

Labcorp Genetics (formerly Invitae), Labcorp
Classification: Uncertain significance. Last evaluated: 2023-04-11. Review status: criteria provided, single submitter. Criteria: Invitae Variant Classification Sherloc (09022015). Collection method: clinical testing. Allele origin: germline.
Comment: This sequence change replaces aspartic acid, which is acidic and polar, with asparagine, which is neutral and polar, at codon 404 of the HTRA1 protein (p.Asp404Asn). This variant is not present in population databases (gnomAD no frequency). This variant has not been reported in the literature in individuals affected with HTRA1-related conditions. An algorithm developed to predict the effect of missense changes on protein structure and function (PolyPhen-2) suggests that this variant is likely to be disruptive. In summary, the available evidence is currently insufficient to determine the role of this variant in disease. Therefore, it has been classified as a Variant of Uncertain Significance.